The following is an entry in ClinVar:

ClinVar aggregate classification (germline): Uncertain significance (1 of 4 stars; one submission).

Conditions:
Alagille syndrome due to a JAG1 point mutation. Also called: HEPATIC DUCTULAR HYPOPLASIA, SYNDROMATIC; Alagille Syndrome 1; JAG1-Related Alagille Syndrome. Identifiers: Orphanet 261619, Orphanet 52, MedGen C1956125, MONDO:0016862, OMIM 118450.

gnomAD v4.1: 1 of 1,614,160 alleles (0.000062%); highest among the groups gnomAD compares: Admixed American, 0.0017%; no homozygotes.

Submission:

Labcorp Genetics (formerly Invitae), Labcorp
Classification: Uncertain significance for Alagille syndrome due to a JAG1 point mutation. Last evaluated: 2022-07-30. Review status: criteria provided, single submitter. Criteria: Invitae Variant Classification Sherloc (09022015). Collection method: clinical testing. Allele origin: germline.
Comment: This sequence change replaces glycine, which is neutral and non-polar, with aspartic acid, which is acidic and polar, at codon 226 of the JAG1 protein (p.Gly226Asp). In summary, the available evidence is currently insufficient to determine the role of this variant in disease. Therefore, it has been classified as a Variant of Uncertain Significance. Advanced modeling of protein sequence and biophysical properties (such as structural, functional, and spatial information, amino acid conservation, physicochemical variation, residue mobility, and thermodynamic stability) performed at Invitae indicates that this missense variant is expected to disrupt JAG1 protein function. This variant has not been reported in the literature in individuals affected with JAG1-related conditions. This variant is not present in population databases (gnomAD no frequency).

NM_000214.3(JAG1):c.677G>A (p.Gly226Asp)

Gene: JAG1 (jagged canonical Notch ligand 1; minus strand). Cytogenetic location: 20p12.2.
Variant type: single nucleotide variant.
Coding change: c.677G>A on transcript NM_000214.3 (MANE Select); coding-DNA position 677, G replaced by A.
Protein change: p.Gly226Asp; replaces glycine 226 with aspartic acid.
Molecular consequence: missense variant.
Genome position (GRCh38, 1-based): chr20:10,658,485, C>T on the plus strand (G>A on the coding strand, the complement: JAG1 is on the minus strand). VCF-style: chr20-10658485-C-T. GRCh37 (hg19) VCF-style: chr20-10639133-C-T.
Other names: short protein forms G226D.
Identifiers: ClinVar variation 2146570 (VCV002146570.4), dbSNP rs2514526409, ClinGen allele CA408239921.